The following is an entry in ClinVar:

NM_016507.4(CDK12):c.2332C>G (p.Leu778Val)

Gene: CDK12 (cyclin dependent kinase 12; plus strand). Cytogenetic location: 17q12.
Variant type: single nucleotide variant.
Coding change: c.2332C>G on transcript NM_016507.4 (MANE Select); coding-DNA position 2332, C replaced by G.
Protein change: p.Leu778Val; replaces leucine 778 with valine.
Molecular consequence: missense variant.
Genome position (GRCh38, 1-based): chr17:39,494,607, C>G. VCF-style: chr17-39494607-C-G. GRCh37 (hg19) VCF-style: chr17-37650860-C-G.
Other names: c.2332C>G, p.Leu778Val (NM_015083.4); short protein forms L778V.
Identifiers: ClinVar variation 4651320 (VCV004651320.1).

ClinVar aggregate classification (germline): Uncertain significance (1 of 4 stars; one submission).

Submission:

Ambry Genetics
Classification: Uncertain significance. Last evaluated: 2025-09-19. Review status: criteria provided, single submitter. Criteria: Ambry Variant Classification Scheme 2023. Collection method: clinical testing. Allele origin: germline.
Comment: The p.L778V variant (also known as c.2332C>G), located in coding exon 5 of the CDK12 gene, results from a C to G substitution at nucleotide position 2332. The leucine at codon 778 is replaced by valine, an amino acid with highly similar properties. This amino acid position is conserved. In addition, this alteration is predicted to be deleterious by in silico analysis. Based on the available evidence, the clinical significance of this variant remains unclear.